The following is an entry in ClinVar:

ClinVar aggregate classification (germline): Uncertain significance. Review status: criteria provided, multiple submitters, no conflicts (2 of 4 stars). 2 submissions from 2 submitters: Uncertain significance (2). Last evaluated 2025-08-24.

Conditions:
Colorectal cancer, hereditary nonpolyposis, type 7. Identifiers: Orphanet 144, MedGen C1858380, MONDO:0013725, OMIM 614385.

Submissions (2):

Labcorp Genetics (formerly Invitae), Labcorp
Classification: Uncertain significance for Colorectal cancer, hereditary nonpolyposis, type 7. Last evaluated: 2025-08-24. Review status: criteria provided, single submitter. Criteria: Invitae Variant Classification Sherloc (09022015). Collection method: clinical testing. Allele origin: germline.
Comment: This sequence change replaces aspartic acid, which is acidic and polar, with asparagine, which is neutral and polar, at codon 985 of the MLH3 protein (p.Asp985Asn). This variant is not present in population databases (gnomAD no frequency). This variant has not been reported in the literature in individuals affected with MLH3-related conditions. ClinVar contains an entry for this variant (Variation ID: 572997). An algorithm developed to predict the effect of missense changes on protein structure and function outputs the following: PolyPhen-2: "Benign". The asparagine amino acid residue is found in multiple mammalian species, which suggests that this missense change does not adversely affect protein function. In summary, the available evidence is currently insufficient to determine the role of this variant in disease. Therefore, it has been classified as a Variant of Uncertain Significance.

Ambry Genetics
Classification: Uncertain significance. Last evaluated: 2022-08-03. Review status: criteria provided, single submitter. Criteria: Ambry Variant Classification Scheme 2023. Collection method: clinical testing. Allele origin: germline.
Comment: The p.D985N variant (also known as c.2953G>A), located in coding exon 1 of the MLH3 gene, results from a G to A substitution at nucleotide position 2953. The aspartic acid at codon 985 is replaced by asparagine, an amino acid with highly similar properties. This amino acid position is conserved. In addition, this alteration is predicted to be tolerated by in silico analysis. Since supporting evidence is limited at this time, the clinical significance of this alteration remains unclear.

NM_001040108.2(MLH3):c.2953G>A (p.Asp985Asn)

Gene: MLH3 (mutL homolog 3; minus strand). Cytogenetic location: 14q24.3.
Variant type: single nucleotide variant.
Coding change: c.2953G>A on transcript NM_001040108.2 (MANE Select); coding-DNA position 2953, G replaced by A.
Protein change: p.Asp985Asn; replaces aspartic acid 985 with asparagine.
Molecular consequence: missense variant.
Genome position (GRCh38, 1-based): chr14:75,046,703, C>T on the plus strand (G>A on the coding strand, the complement: MLH3 is on the minus strand). VCF-style: chr14-75046703-C-T. GRCh37 (hg19) VCF-style: chr14-75513406-C-T.
Other names: c.2953G>A, p.Asp985Asn (NM_014381.3); short protein forms D985N.
Identifiers: ClinVar variation 572997 (VCV000572997.11), dbSNP rs1566602747, ClinGen allele CA390437259.